The following is an entry in ClinVar:

NM_152384.3(BBS5):c.776C>T (p.Ala259Val)

Gene: BBS5 (Bardet-Biedl syndrome 5; plus strand). Cytogenetic location: 2q31.1.
Variant type: single nucleotide variant.
Coding change: c.776C>T on transcript NM_152384.3 (MANE Select); coding-DNA position 776, C replaced by T.
Protein change: p.Ala259Val; replaces alanine 259 with valine.
Molecular consequence: missense variant.
Genome position (GRCh38, 1-based): chr2:169,499,580, C>T. VCF-style: chr2-169499580-C-T. GRCh37 (hg19) VCF-style: chr2-170356090-C-T.
Other names: short protein forms A259V.
Identifiers: ClinVar variation 1414538 (VCV001414538.6), dbSNP rs1246115410, ClinGen allele CA349167407.

ClinVar aggregate classification (germline): Uncertain significance (1 of 4 stars; one submission).

Conditions:
Bardet-Biedl syndrome (BBS). Identifiers: Orphanet 110, MedGen C0752166, MONDO:0015229.

Allele frequency attached by ClinVar (database versions not stated): gnomAD exomes below 0.00001.
gnomAD v4.1: 1 of 1,613,558 alleles (0.000062%); highest among the groups gnomAD compares: African/African-American, 0.0013%; no homozygotes.

Submission:

Labcorp Genetics (formerly Invitae), Labcorp
Classification: Uncertain significance for Bardet-Biedl syndrome. Last evaluated: 2024-08-12. Review status: criteria provided, single submitter. Criteria: Invitae Variant Classification Sherloc (09022015). Collection method: clinical testing. Allele origin: germline.
Comment: This sequence change replaces alanine, which is neutral and non-polar, with valine, which is neutral and non-polar, at codon 259 of the BBS5 protein (p.Ala259Val). This variant is present in population databases (no rsID available, gnomAD 0.007%). This variant has not been reported in the literature in individuals affected with BBS5-related conditions. ClinVar contains an entry for this variant (Variation ID: 1414538). Advanced modeling of protein sequence and biophysical properties (such as structural, functional, and spatial information, amino acid conservation, physicochemical variation, residue mobility, and thermodynamic stability) performed at Invitae indicates that this missense variant is not expected to disrupt BBS5 protein function with a negative predictive value of 80%. In summary, the available evidence is currently insufficient to determine the role of this variant in disease. Therefore, it has been classified as a Variant of Uncertain Significance.